The following is an entry in ClinVar:

NM_001384290.1(HLA-G):c.*65_*66insATTTGTTCATGCCT

Gene: HLA-G (major histocompatibility complex, class I, G; plus strand). Cytogenetic location: 6p22.1.
Variant type: Insertion.
Coding change: c.*65_*66insATTTGTTCATGCCT on transcript NM_001384290.1 (MANE Select); 65 bases downstream of the stop codon through 66 bases downstream of the stop codon, ATTTGTTCATGCCT inserted.
Molecular consequence: 3 prime UTR variant.
Genome position: GRCh38 VCF-style: chr6-29830804-G-GATTTGTTCATGCCT. GRCh37 (hg19) VCF-style: chr6-29798581-G-GATTTGTTCATGCCT.
Other names: c.*65_*66insATTTGTTCATGCCT (NM_001363567.2, NM_001384280.1, NM_002127.6).
Identifiers: ClinVar variation 2628037 (VCV002628037.1), dbSNP rs371194629, ClinGen allele CA136021478.

ClinVar aggregate classification (germline): Likely risk allele (0 of 4 stars; one submission).

Conditions:
Post-COVID-19 disorder. Identifiers: MedGen CN305504, MONDO:0100320.

Allele frequency attached by ClinVar (database versions not stated): gnomAD 0.39699; 1000 Genomes Project 30x 0.39366; 1000 Genomes Project 0.39417.

Submission:

Pneumogenomics Laboratory, Instituto Nacional de Enfermedades Respiratorias Ismael Cosio Villegas
Classification: Likely risk allele for Post-COVID-19 disorder. Last evaluated: 2023-10-27. Review status: no assertion criteria provided. Collection method: research. Allele origin: germline. Affected: yes.
Comment: Association with exercise-induced desaturation in post-COVID condition